The following is an entry in ClinVar:

ClinVar aggregate classification (germline): Uncertain significance (1 of 4 stars; one submission).

Conditions:
Nance-Horan syndrome (NHS). Identifiers: Orphanet 627, MedGen C0796085, MONDO:0010545, OMIM 302350.

Submission:

Labcorp Genetics (formerly Invitae), Labcorp
Classification: Uncertain significance for Nance-Horan syndrome. Last evaluated: 2023-08-27. Review status: criteria provided, single submitter. Criteria: Invitae Variant Classification Sherloc (09022015). Collection method: clinical testing. Allele origin: germline.
Comment: Advanced modeling of protein sequence and biophysical properties (such as structural, functional, and spatial information, amino acid conservation, physicochemical variation, residue mobility, and thermodynamic stability) performed at Invitae indicates that this missense variant is expected to disrupt NHS protein function. This sequence change replaces serine, which is neutral and polar, with asparagine, which is neutral and polar, at codon 485 of the NHS protein (p.Ser485Asn). This variant is present in population databases (no rsID available, gnomAD 0.005%). This variant has not been reported in the literature in individuals affected with NHS-related conditions. In summary, the available evidence is currently insufficient to determine the role of this variant in disease. Therefore, it has been classified as a Variant of Uncertain Significance.

NM_001291867.2(NHS):c.1517G>A (p.Ser506Asn)

Gene: NHS (NHS actin remodeling regulator; plus strand). Cytogenetic location: Xp22.13.
Variant type: single nucleotide variant.
Coding change: c.1517G>A on transcript NM_001291867.2 (MANE Select); coding-DNA position 1517, G replaced by A.
Protein change: p.Ser506Asn; replaces serine 506 with asparagine.
Molecular consequence: missense variant.
Genome position (GRCh38, 1-based): chrX:17,725,623, G>A. VCF-style: chrX-17725623-G-A. GRCh37 (hg19) VCF-style: chrX-17743743-G-A.
Other names: c.986G>A, p.Ser329Asn (NM_001136024.4); c.923G>A, p.Ser308Asn (NM_001291868.2); c.1454G>A, p.Ser485Asn (NM_198270.4); short protein forms S308N, S329N, S506N, S485N.
Identifiers: ClinVar variation 2851033 (VCV002851033.3), dbSNP rs1466725417, ClinGen allele CA412351985.